The following is an entry in ClinVar:

NM_002184.4(IL6ST):c.1189C>G (p.Leu397Val)

Gene: IL6ST (interleukin 6 cytokine family signal transducer; minus strand). Cytogenetic location: 5q11.2.
Variant type: single nucleotide variant.
Coding change: c.1189C>G on transcript NM_002184.4 (MANE Select); coding-DNA position 1189, C replaced by G.
Protein change: p.Leu397Val; replaces leucine 397 with valine.
Molecular consequence: missense variant. On other transcripts: 3 prime UTR variant (1), non-coding transcript variant (2).
Genome position (GRCh38, 1-based): chr5:55,956,103, G>C on the plus strand (C>G on the coding strand, the complement: IL6ST is on the minus strand). VCF-style: chr5-55956103-G-C. GRCh37 (hg19) VCF-style: chr5-55251931-G-C.
Other names: p.Leu397Val; c.1189C>G, p.Leu397Val (NM_001190981.2, NM_001364275.2); c.979C>G, p.Leu327Val (NM_001364276.2); c.322C>G, p.Leu108Val (NM_001364277.2); c.286C>G, p.Leu96Val (NM_001364278.2); c.193C>G, p.Leu65Val (NM_001364279.2); c.*116C>G (NM_175767.3); c.1189C>G (NM_002184.3); short protein forms L108V, L327V, L397V, L65V, L96V.
Identifiers: ClinVar variation 1168208 (VCV001168208.16), dbSNP rs2228043, ClinGen allele CA3271478.

ClinVar aggregate classification (germline): Benign/Likely benign. Review status: criteria provided, multiple submitters, no conflicts (2 of 4 stars). 6 submissions from 6 submitters: Benign (4); Likely benign (1). 1 of the submissions does not count toward it. Last evaluated 2026-02-03.

Conditions:
IL6ST-related disorder. Also called: IL6ST-related condition.

Allele frequency attached by ClinVar (database versions not stated): gnomAD exomes 0.11900; ExAC 0.12262; 1000 Genomes Project 30x 0.16271; gnomAD 0.17408 and 0.18173; 1000 Genomes Project 0.15974; TOPMed 0.18277; ESP Exome Variant Server 0.18676.
gnomAD v4.1: 202,189 of 1,611,530 alleles (13%); highest among the groups gnomAD compares: African/African-American, 33%; 15,056 homozygotes.

Submissions (6):

Labcorp Genetics (formerly Invitae), Labcorp
Classification: Benign. Last evaluated: 2026-02-03. Review status: criteria provided, single submitter. Criteria: Invitae Variant Classification Sherloc (09022015). Collection method: clinical testing. Allele origin: germline.

Women's Health and Genetics/Laboratory Corporation of America, LabCorp
Classification: Likely benign. Last evaluated: 2026-01-21. Review status: criteria provided, single submitter. Criteria: LabCorp Variant Classification Summary - May 2015. Collection method: clinical testing. Allele origin: germline.

Unidad de Genómica Garrahan, Hospital de Pediatría Garrahan
Classification: Benign. Last evaluated: 2024-01-24. Review status: criteria provided, single submitter. Criteria: ACMG Guidelines, 2015. Collection method: clinical testing. Allele origin: germline. Affected: no. Observed: 21 variant alleles.
Comment: This variant is classified as Benign based on local population frequency. This variant was detected in 24% of patients studied by a panel of primary immunodeficiencies. Number of patients: 21. Only high quality variants are reported.

Mayo Clinic Laboratories, Mayo Clinic
Classification: Benign. Last evaluated: 2022-09-06. Review status: criteria provided, single submitter. Criteria: ACMG Guidelines, 2015. Collection method: clinical testing. Allele origin: germline. Observed: 28 variant alleles.

Breakthrough Genomics
Classification: Benign. Review status: criteria provided, single submitter. Criteria: ACMG Guidelines, 2015. Collection method: not provided. Allele origin: germline. Inheritance: Autosomal recessive inheritance. Affected: yes.

PreventionGenetics, part of Exact Sciences
Classification: Benign for IL6ST-related condition. Last evaluated: 2019-11-05. Review status: no assertion criteria provided. Collection method: clinical testing. Allele origin: germline. Not counted in ClinVar's aggregate classification.
Comment: This variant is classified as benign based on ACMG/AMP sequence variant interpretation guidelines (Richards et al. 2015 PMID: 25741868, with internal and published modifications).